The following is an entry in ClinVar:

NM_002317.7(LOX):c.461T>C (p.Leu154Pro)

Genes: LOX (lysyl oxidase; minus strand), SRFBP1 (serum response factor binding protein 1; plus strand). Cytogenetic location: 5q23.1.
Variant type: single nucleotide variant.
Coding change: c.461T>C on transcript NM_002317.7 (MANE Select); coding-DNA position 461, T replaced by C.
Protein change: p.Leu154Pro; replaces leucine 154 with proline.
Molecular consequence: missense variant.
Genome position (GRCh38, 1-based): chr5:122,077,525, A>G on the plus strand (T>C on the coding strand, the complement: LOX is on the minus strand). VCF-style: chr5-122077525-A-G. GRCh37 (hg19) VCF-style: chr5-121413220-A-G.
Other names: short protein forms L154P.
Identifiers: ClinVar variation 2808787 (VCV002808787.3), dbSNP rs1754673411, ClinGen allele CA360876108.

ClinVar aggregate classification (germline): Uncertain significance (1 of 4 stars; one submission).

Allele frequency attached by ClinVar (database versions not stated): gnomAD exomes below 0.00001; gnomAD 0.00001.
gnomAD v4.1: 3 of 1,613,652 alleles (0.00019%); highest among the groups gnomAD compares: Admixed American, 0.0033%; no homozygotes.

Submission:

Labcorp Genetics (formerly Invitae), Labcorp
Classification: Uncertain significance. Last evaluated: 2023-10-22. Review status: criteria provided, single submitter. Criteria: Invitae Variant Classification Sherloc (09022015). Collection method: clinical testing. Allele origin: germline.
Comment: This sequence change replaces leucine, which is neutral and non-polar, with proline, which is neutral and non-polar, at codon 154 of the LOX protein (p.Leu154Pro). This variant is not present in population databases (gnomAD no frequency). This variant has not been reported in the literature in individuals affected with LOX-related conditions. Advanced modeling of protein sequence and biophysical properties (such as structural, functional, and spatial information, amino acid conservation, physicochemical variation, residue mobility, and thermodynamic stability) performed at Invitae indicates that this missense variant is not expected to disrupt LOX protein function. In summary, the available evidence is currently insufficient to determine the role of this variant in disease. Therefore, it has been classified as a Variant of Uncertain Significance.